The following is an entry in ClinVar:

NM_020297.4(ABCC9):c.4512+713del

Genes: ABCC9 (ATP binding cassette subfamily C member 9; minus strand), KCNJ8-AS1 (KCNJ8 antisense RNA 1; plus strand). Cytogenetic location: 12p12.1.
Variant type: Deletion.
Coding change: c.4512+713del on transcript NM_020297.4 (MANE Select); 713 bases into the intron after coding-DNA position 4512, one base deleted (A; older notation c.4512+713delA).
Molecular consequence: intron variant. On other transcripts: frameshift variant (1).
Genome position (GRCh38, 1-based): chr12:21,805,285, T deleted on the plus strand (A on the coding strand, the reverse complement: ABCC9 is on the minus strand). VCF-style (leftmost placement, unchanged base first): chr12-21805284-CT-C. GRCh37 (hg19) VCF-style: chr12-21958218-CT-C.
Other names: c.4539del, p.Gly1514fs (NM_005691.4); c.3645+713del (NM_001377274.1); c.4512+713del (NM_001377273.1); short protein forms G1514fs.
Identifiers: ClinVar variation 2853225 (VCV002853225.3), dbSNP rs2540792198, ClinGen allele CA2617929172.

ClinVar aggregate classification (germline): Uncertain significance (1 of 4 stars; one submission).

Conditions:
Dilated cardiomyopathy 1O (CMD1O). Also called: CARDIOMYOPATHY, DILATED, WITH VENTRICULAR TACHYCARDIA. Identifiers: Orphanet 154, MedGen C1837839, MONDO:0012062, OMIM 608569.

Allele frequency attached by ClinVar (database versions not stated): gnomAD exomes below 0.00001.

Submission:

Labcorp Genetics (formerly Invitae), Labcorp
Classification: Uncertain significance for Dilated cardiomyopathy 1O. Last evaluated: 2023-04-07. Review status: criteria provided, single submitter. Criteria: Invitae Variant Classification Sherloc (09022015). Collection method: clinical testing. Allele origin: germline.
Comment: In summary, the available evidence is currently insufficient to determine the role of this variant in disease. Therefore, it has been classified as a Variant of Uncertain Significance. This sequence change creates a premature translational stop signal (p.Gly1514Alafs*4) in the ABCC9 gene. While this is not anticipated to result in nonsense mediated decay, it is expected to disrupt the last 36 amino acid(s) of the ABCC9 protein. This variant is not present in population databases (gnomAD no frequency). This variant has not been reported in the literature in individuals affected with ABCC9-related conditions. Experimental studies and prediction algorithms are not available or were not evaluated, and the functional significance of this variant is currently unknown.